The following is an entry in ClinVar:

NM_000057.4(BLM):c.1943G>A (p.Ser648Asn)

Gene: BLM (BLM RecQ like helicase; plus strand). Cytogenetic location: 15q26.1.
Variant type: single nucleotide variant.
Coding change: c.1943G>A on transcript NM_000057.4 (MANE Select); coding-DNA position 1943, G replaced by A.
Protein change: p.Ser648Asn; replaces serine 648 with asparagine.
Molecular consequence: missense variant.
Genome position (GRCh38, 1-based): chr15:90,763,026, G>A. VCF-style: chr15-90763026-G-A. GRCh37 (hg19) VCF-style: chr15-91306256-G-A.
Other names: c.1943G>A, p.Ser648Asn (NM_001287246.2, NM_001287247.2); c.818G>A, p.Ser273Asn (NM_001287248.2); short protein forms S273N, S648N.
Identifiers: ClinVar variation 4694489 (VCV004694489.1).

ClinVar aggregate classification (germline): Uncertain significance (1 of 4 stars; one submission).

Conditions:
Bloom syndrome (BLM). Also called: Bloom-Torre-Machacek syndrome. Identifiers: Orphanet 125, MedGen C0005859, MONDO:0008876, OMIM 210900.

Submission:

Labcorp Genetics (formerly Invitae), Labcorp
Classification: Uncertain significance for Bloom syndrome. Last evaluated: 2025-04-08. Review status: criteria provided, single submitter. Criteria: Invitae Variant Classification Sherloc (09022015). Collection method: clinical testing. Allele origin: germline.
Comment: This sequence change replaces serine, which is neutral and polar, with asparagine, which is neutral and polar, at codon 648 of the BLM protein (p.Ser648Asn). This variant is not present in population databases (gnomAD no frequency). This variant has not been reported in the literature in individuals affected with BLM-related conditions. Invitae Evidence Modeling of protein sequence and biophysical properties (such as structural, functional, and spatial information, amino acid conservation, physicochemical variation, residue mobility, and thermodynamic stability) indicates that this missense variant is not expected to disrupt BLM protein function with a negative predictive value of 80%. In summary, the available evidence is currently insufficient to determine the role of this variant in disease. Therefore, it has been classified as a Variant of Uncertain Significance.